The following is an entry in ClinVar:

ClinVar aggregate classification (germline): Uncertain significance. Review status: criteria provided, multiple submitters, no conflicts (2 of 4 stars). 6 submissions from 6 submitters: Uncertain significance (6). Last evaluated 2026-03-21.

Conditions:
ALMS1-related disorder. Also called: ALMS1-related condition.
Cardiovascular phenotype. Identifiers: MedGen CN230736.
Alstrom syndrome (ALMS). Identifiers: Orphanet 64, MedGen C0268425, MONDO:0008763, OMIM 203800.

Allele frequency attached by ClinVar (database versions not stated): gnomAD 0.00003.
gnomAD v4.1: 22 of 1,613,706 alleles (0.0014%); highest among the groups gnomAD compares: Middle Eastern, 0.049%; 1 homozygote.

Submissions (6):

PreventionGenetics, part of Exact Sciences
Classification: Uncertain significance for ALMS1-related condition. Last evaluated: 2026-03-21. Review status: criteria provided, single submitter. Criteria: ACMG Guidelines, 2015. Collection method: clinical testing. Allele origin: germline.
Comment: The ALMS1 c.7016C>T variant is predicted to result in the amino acid substitution p.Thr2339Met. To our knowledge, this variant has not been reported in the literature. This variant is reported in 0.0041% of alleles in individuals of African descent in gnomAD. At this time, the clinical significance of this variant is uncertain due to the absence of conclusive functional and genetic evidence.

Ambry Genetics
Classification: Uncertain significance for Cardiovascular phenotype. Last evaluated: 2025-07-11. Review status: criteria provided, single submitter. Criteria: Ambry Variant Classification Scheme 2023. Collection method: clinical testing. Allele origin: germline.
Comment: The p.T2339I variant (also known as c.7016C>T), located in coding exon 8 of the ALMS1 gene, results from a C to T substitution at nucleotide position 7016. The threonine at codon 2339 is replaced by isoleucine, an amino acid with similar properties. This amino acid position is well conserved in available vertebrate species. In addition, the in silico prediction for this alteration is inconclusive. Since supporting evidence is limited at this time, the clinical significance of this alteration remains unclear.

GeneDx
Classification: Uncertain significance. Last evaluated: 2022-10-13. Review status: criteria provided, single submitter. Criteria: GeneDx Variant Classification Process June 2021. Collection method: clinical testing. Allele origin: germline. Affected: yes.
Comment: Not observed at significant frequency in large population cohorts (gnomAD); In silico analysis supports that this missense variant has a deleterious effect on protein structure/function; Has not been previously published as pathogenic or benign to our knowledge

Labcorp Genetics (formerly Invitae), Labcorp
Classification: Uncertain significance for Alstrom syndrome. Last evaluated: 2022-09-01. Review status: criteria provided, single submitter. Criteria: Invitae Variant Classification Sherloc (09022015). Collection method: clinical testing. Allele origin: germline.
Comment: This sequence change replaces threonine with isoleucine at codon 2339 of the ALMS1 protein (p.Thr2339Ile). The threonine residue is moderately conserved and there is a moderate physicochemical difference between threonine and isoleucine. This variant is present in population databases (rs373004988, gnomAD 0.02%). This variant has not been reported in the literature in individuals affected with ALMS1-related conditions. ClinVar contains an entry for this variant (Variation ID: 498443). Experimental studies and prediction algorithms are not available or were not evaluated, and the functional significance of this variant is currently unknown. In summary, the available evidence is currently insufficient to determine the role of this variant in disease. Therefore, it has been classified as a Variant of Uncertain Significance.

Eurofins Ntd Llc (ga)
Classification: Uncertain significance. Last evaluated: 2016-11-08. Review status: criteria provided, single submitter. Criteria: EGL Classification Definitions 2015. Collection method: clinical testing. Allele origin: germline. Observed: 1 variant allele, 1 heterozygote.

Breakthrough Genomics
Classification: Uncertain significance. Review status: criteria provided, single submitter. Criteria: ACMG Guidelines, 2015. Collection method: not provided. Allele origin: germline. Inheritance: Autosomal recessive inheritance. Affected: yes.

NM_001378454.1(ALMS1):c.7013C>T (p.Thr2338Ile)

Gene: ALMS1 (ALMS1 centrosome and basal body associated protein; plus strand). Cytogenetic location: 2p13.1.
Variant type: single nucleotide variant.
Coding change: c.7013C>T on transcript NM_001378454.1 (MANE Select); coding-DNA position 7013, C replaced by T.
Protein change: p.Thr2338Ile; replaces threonine 2338 with isoleucine.
Molecular consequence: missense variant.
Genome position (GRCh38, 1-based): chr2:73,453,540, C>T. VCF-style: chr2-73453540-C-T. GRCh37 (hg19) VCF-style: chr2-73680667-C-T.
Other names: c.7016C>T, p.Thr2339Ile (NM_015120.4); short protein forms T2339I, T2338I.
Identifiers: ClinVar variation 498443 (VCV000498443.14), dbSNP rs373004988, ClinGen allele CA1714165.